The following is an entry in ClinVar:

NM_152383.5(DIS3L2):c.2077G>A (p.Val693Met)

Gene: DIS3L2 (DIS3 like 3'-5' exoribonuclease 2; plus strand). Cytogenetic location: 2q37.1.
Variant type: single nucleotide variant.
Coding change: c.2077G>A on transcript NM_152383.5 (MANE Select); coding-DNA position 2077, G replaced by A.
Protein change: p.Val693Met; replaces valine 693 with methionine.
Molecular consequence: missense variant. On other transcripts: non-coding transcript variant (2), intron variant (1).
Genome position (GRCh38, 1-based): chr2:232,333,906, G>A. VCF-style: chr2-232333906-G-A. GRCh37 (hg19) VCF-style: chr2-233198616-G-A.
Other names: c.1582-9439G>A (NM_001257281.2); short protein forms V693M.
Identifiers: ClinVar variation 463091 (VCV000463091.5), dbSNP rs1553551585, ClinGen allele CA350977428.

ClinVar aggregate classification (germline): Uncertain significance (1 of 4 stars; one submission).

Conditions:
Perlman syndrome (PRLMNS). Identifiers: Orphanet 2849, MedGen C0796113, MONDO:0009965, OMIM 267000.

gnomAD v4.1: 1 of 1,612,888 alleles (0.000062%); no homozygotes.

Submission:

Labcorp Genetics (formerly Invitae), Labcorp
Classification: Uncertain significance for Perlman syndrome. Last evaluated: 2022-07-03. Review status: criteria provided, single submitter. Criteria: Invitae Variant Classification Sherloc (09022015). Collection method: clinical testing. Allele origin: germline.
Comment: This variant has not been reported in the literature in individuals affected with DIS3L2-related conditions. In summary, the available evidence is currently insufficient to determine the role of this variant in disease. Therefore, it has been classified as a Variant of Uncertain Significance. Algorithms developed to predict the effect of missense changes on protein structure and function output the following: SIFT: "Deleterious"; PolyPhen-2: "Possibly Damaging"; Align-GVGD: "Class C0". The methionine amino acid residue is found in multiple mammalian species, which suggests that this missense change does not adversely affect protein function. ClinVar contains an entry for this variant (Variation ID: 463091). This variant is not present in population databases (gnomAD no frequency). This sequence change replaces valine, which is neutral and non-polar, with methionine, which is neutral and non-polar, at codon 693 of the DIS3L2 protein (p.Val693Met).